The following is an entry in ClinVar:

NC_000019.10:g.55999724T>C

Gene: NLRP5 (NLR family pyrin domain containing 5; plus strand). Cytogenetic location: 19q13.43.
Variant type: single nucleotide variant.
Genome position: GRCh38 VCF-style: chr19-55999724-T-C. GRCh37 (hg19) VCF-style: chr19-56511090-T-C.
Identifiers: ClinVar variation 3059572 (VCV003059572.2), dbSNP rs76756220, ClinGen allele CA9685048.

ClinVar aggregate classification (germline): Benign (0 of 4 stars; one submission).

Conditions:
NLRP5-related disorder. Also called: NLRP5-related condition.

Allele frequency attached by ClinVar (database versions not stated): ESP Exome Variant Server 0.02504; ExAC 0.04497; gnomAD 0.03344; TOPMed 0.03546; 1000 Genomes Project 0.06589; 1000 Genomes Project 30x 0.06418.
gnomAD v4.1: 48,579 of 1,610,266 alleles (3%); highest among the groups gnomAD compares: East Asian, 19%; 1,561 homozygotes.

Submission:

PreventionGenetics, part of Exact Sciences
Classification: Benign for NLRP5-related condition. Last evaluated: 2024-01-05. Review status: no assertion criteria provided. Collection method: clinical testing. Allele origin: germline.
Comment: This variant is classified as benign based on ACMG/AMP sequence variant interpretation guidelines (Richards et al. 2015 PMID: 25741868, with internal and published modifications).